The following is an entry in ClinVar:

NM_003235.5(TG):c.5921T>C (p.Met1974Thr)

Gene: TG (thyroglobulin; plus strand). Cytogenetic location: 8q24.22.
Variant type: single nucleotide variant.
Coding change: c.5921T>C on transcript NM_003235.5 (MANE Select); coding-DNA position 5921, T replaced by C.
Protein change: p.Met1974Thr; replaces methionine 1974 with threonine.
Molecular consequence: missense variant.
Genome position (GRCh38, 1-based): chr8:132,969,515, T>C. VCF-style: chr8-132969515-T-C. GRCh37 (hg19) VCF-style: chr8-133981760-T-C.
Other names: short protein forms M1974T.
Identifiers: ClinVar variation 258997 (VCV000258997.11), dbSNP rs56230101, ClinGen allele CA4884679.

ClinVar aggregate classification (germline): Benign/Likely benign. Review status: criteria provided, multiple submitters, no conflicts (2 of 4 stars). 5 submissions from 5 submitters: Benign (4); Likely benign (1). Last evaluated 2026-05-09.

Conditions:
Iodotyrosyl coupling defect (TDH3). Also called: HYPOTHYROIDISM, CONGENITAL, DUE TO DYSHORMONOGENESIS, 3; THYROID HORMONOGENESIS, GENETIC DEFECT IN, 3. Identifiers: Orphanet 95716, MedGen C0342194, MONDO:0010135, OMIM 274700.

Allele frequency attached by ClinVar (database versions not stated): 1000 Genomes Project 0.12500; TOPMed 0.13651; ESP Exome Variant Server 0.14693; ExAC 0.08417; 1000 Genomes Project 30x 0.12961; gnomAD exomes 0.07269; gnomAD 0.13002 and 0.13536.

Submissions (5):

Women's Health and Genetics/Laboratory Corporation of America, LabCorp
Classification: Likely benign. Last evaluated: 2026-05-09. Review status: criteria provided, single submitter. Criteria: LabCorp Variant Classification Summary - May 2015. Collection method: clinical testing. Allele origin: germline.

Labcorp Genetics (formerly Invitae), Labcorp
Classification: Benign. Last evaluated: 2026-02-04. Review status: criteria provided, single submitter. Criteria: Invitae Variant Classification Sherloc (09022015). Collection method: clinical testing. Allele origin: germline.

Illumina Laboratory Services, Illumina
Classification: Benign for Iodotyrosyl coupling defect. Last evaluated: 2018-01-13. Review status: criteria provided, single submitter. Criteria: ICSL Variant Classification Criteria 13 December 2019. Collection method: clinical testing. Allele origin: germline.
Comment: This variant was observed in the ICSL laboratory as part of a predisposition screen in an ostensibly healthy population. It had not been previously curated by ICSL or reported in the Human Gene Mutation Database (HGMD: prior to June 1st, 2018), and was therefore a candidate for classification through an automated scoring system. Utilizing variant allele frequency, disease prevalence and penetrance estimates, and inheritance mode, an automated score was calculated to assess if this variant is too frequent to cause the disease. Based on the score and internal cut-off values, a variant classified as benign is not then subjected to further curation. The score for this variant resulted in a classification of benign for this disease.

Breakthrough Genomics
Classification: Benign. Review status: criteria provided, single submitter. Criteria: ACMG Guidelines, 2015. Collection method: not provided. Allele origin: germline. Inheritance: Autosomal recessive inheritance. Affected: yes.

PreventionGenetics, part of Exact Sciences
Classification: Benign. Review status: criteria provided, single submitter. Criteria: ACMG Guidelines, 2015. Collection method: clinical testing. Allele origin: germline.